The following is an entry in ClinVar:

NM_031229.4(RBCK1):c.167+501C>T

Gene: RBCK1 (RANBP2-type and C3HC4-type zinc finger containing 1; plus strand). Cytogenetic location: 20p13.
Variant type: single nucleotide variant.
Coding change: c.167+501C>T on transcript NM_031229.4 (MANE Select); 501 bases into the intron after coding-DNA position 167, C replaced by T.
Molecular consequence: intron variant. On other transcripts: synonymous variant (1).
Genome position (GRCh38, 1-based): chr20:410,526, C>T. VCF-style: chr20-410526-C-T. GRCh37 (hg19) VCF-style: chr20-391170-C-T.
Other names: c.282C>T, p.Tyr94= (NM_001323960.2); c.218+501C>T (NM_001410770.1); c.-183+501C>T (NM_001323956.2); c.41+1747C>T (NM_006462.6); c.-183+1747C>T (NM_001323958.2).
Identifiers: ClinVar variation 2628148 (VCV002628148.3), dbSNP rs7059, ClinGen allele CA9722924.

ClinVar aggregate classification (germline): Benign/Likely benign. Review status: criteria provided, multiple submitters, no conflicts (2 of 4 stars). 2 submissions from 2 submitters: Benign (1); Likely benign (1). Last evaluated 2024-11-28.

Allele frequency attached by ClinVar (database versions not stated): 1000 Genomes Project 30x 0.40131; 1000 Genomes Project 0.40435; TOPMed 0.41936; gnomAD 0.43716; ExAC 0.43736; ESP Exome Variant Server 0.44506; gnomAD exomes 0.45487.
gnomAD v4.1: 351,481 of 779,270 alleles (45%); highest among the groups gnomAD compares: Non-Finnish European, 48%; 81,223 homozygotes.

Submissions (2):

Blueprint Genetics
Classification: Likely benign. Last evaluated: 2024-11-28. Review status: criteria provided, single submitter. Criteria: ACMG Guidelines, 2015. Collection method: clinical testing. Allele origin: germline.

Unidad de Genómica Garrahan, Hospital de Pediatría Garrahan
Classification: Benign. Last evaluated: 2023-11-12. Review status: criteria provided, single submitter. Criteria: ACMG Guidelines, 2015. Collection method: clinical testing. Allele origin: germline. Affected: no. Observed: 55 variant alleles.
Comment: This variant is classified as Benign based on local population frequency. This variant was detected in 57% of patients studied by a panel of primary immunodeficiencies. Number of patients: 55. Only high quality variants are reported.